The following is an entry in ClinVar:

ClinVar aggregate classification (germline): Uncertain significance (0 of 4 stars; one submission).

Conditions:
Nephronophthisis. Also called: Juvenile Nephronophthisis. Identifiers: Orphanet 655, MedGen C0687120, MONDO:0019005, HP:0000090.

Allele frequency attached by ClinVar (database versions not stated): gnomAD exomes below 0.00001; gnomAD 0.00001.
gnomAD v4.1: 4 of 1,614,152 alleles (0.00025%); highest among the groups gnomAD compares: East Asian, 0.0022%; no homozygotes.

Submission:

Sydney Genome Diagnostics, Children's Hospital Westmead
Classification: Uncertain significance for Nephronophthisis. Last evaluated: 2018-11-22. Review status: no assertion criteria provided. Collection method: clinical testing. Allele origin: unknown. Affected: yes. Observed: 1 variant allele, 1 homozygote.
Comment: The variant has not been reported in any population databases (i.e. gnomAD, ExAC, ESP or dbSNP). To our knowledge, this variant has not been previously reported in the literature or any disease specific databases. In silico analysis of pathogenicity (through Alamut Visual v2.8.1) is inconclusive regarding this change; PolyPhen2 and MutationTaster predicts it to be likely pathogenic whereas SIFT predicts this variant to be benign. This variant is considered to be a variant of uncertain clinical significance (VOUS) according to the ACMG guidelines. (Evidence used: PM2)

NM_014425.5(INVS):c.491A>G (p.His164Arg)

Gene: INVS (inversin; plus strand). Cytogenetic location: 9q31.1.
Variant type: single nucleotide variant.
Coding change: c.491A>G on transcript NM_014425.5 (MANE Select); coding-DNA position 491, A replaced by G.
Protein change: p.His164Arg; replaces histidine 164 with arginine.
Molecular consequence: missense variant. On other transcripts: 5 prime UTR variant (1), non-coding transcript variant (1).
Genome position (GRCh38, 1-based): chr9:100,229,703, A>G. VCF-style: chr9-100229703-A-G. GRCh37 (hg19) VCF-style: chr9-102991985-A-G.
Other names: c.203A>G, p.His68Arg (NM_001318381.2); c.-499A>G (NM_001318382.2); short protein forms H164R, H68R.
Identifiers: ClinVar variation 988122 (VCV000988122.1), dbSNP rs1831445914, ClinGen allele CA374360439.